The following is an entry in ClinVar:

NM_001035.3(RYR2):c.14493C>T (p.Ile4831=)

Gene: RYR2 (ryanodine receptor 2; plus strand). Cytogenetic location: 1q43.
Variant type: single nucleotide variant.
Coding change: c.14493C>T on transcript NM_001035.3 (MANE Select); coding-DNA position 14493, C replaced by T.
Protein change: p.Ile4831=; no amino-acid change (isoleucine 4831 retained).
Molecular consequence: synonymous variant.
Genome position (GRCh38, 1-based): chr1:237,819,095, C>T. VCF-style: chr1-237819095-C-T. GRCh37 (hg19) VCF-style: chr1-237982395-C-T.
Other names: c.14493C>T, p.Ile4831= (LRG_402t1).
Identifiers: ClinVar variation 263627 (VCV000263627.20), dbSNP rs375456172, ClinGen allele CA085668.
Genomic context (GRCh38, chr1:237,819,095, plus strand): 5'-GTGCTATATGTTCCACATGTATGTTGGAGTTCGTGCTGGAGGAGGGATCGGGGATGAAAT[C>T]GAAGACCCAGCAGGAGATGAATATGAGATCTATCGAATCATCTTTGACATCACTTTCTTC-3'
Protein context (NP_001026.2, residues 4821-4841): VRAGGGIGDE[Ile4831=]EDPAGDEYEI

ClinVar aggregate classification (germline): Likely benign. Review status: criteria provided, multiple submitters, no conflicts (2 of 4 stars). 4 submissions from 4 submitters: Likely benign (4). Last evaluated 2025-04-28.

Conditions:
Cardiovascular phenotype. Identifiers: MedGen CN230736.
Catecholaminergic polymorphic ventricular tachycardia (CVPT). Also called: Catecholamine-induced polymorphic ventricular tachycardia. Identifiers: Orphanet 3286, MedGen C5574922, MONDO:0017990.
Cardiomyopathy (CMYO). Also called: Cardiomyopathies. Identifiers: Orphanet 167848, MedGen C0878544, MONDO:0004994, HP:0001638. Inheritance: Various modes of inheritance.
Catecholaminergic polymorphic ventricular tachycardia 1. Also called: VENTRICULAR TACHYCARDIA, STRESS-INDUCED POLYMORPHIC 1; VENTRICULAR TACHYCARDIA, CATECHOLAMINERGIC POLYMORPHIC, 1, WITH OR WITHOUT ATRIAL DYSFUNCTION AND/OR DILATED CARDIOMYOPATHY; RYR2-Related Catecholaminergic Polymorphic Ventricular Tachycardia. Identifiers: Orphanet 3286, MedGen C1631597, MONDO:0011484, OMIM 604772.

Allele frequency attached by ClinVar (database versions not stated): gnomAD 0.00003; ESP Exome Variant Server 0.00008; TOPMed 0.00009.
gnomAD v4.1: 32 of 1,613,590 alleles (0.002%); highest among the groups gnomAD compares: African/African-American, 0.02%; no homozygotes.

Submissions (4):

Labcorp Genetics (formerly Invitae), Labcorp
Classification: Likely benign for Catecholaminergic polymorphic ventricular tachycardia 1. Last evaluated: 2025-04-28. Review status: criteria provided, single submitter. Criteria: Invitae Variant Classification Sherloc (09022015). Collection method: clinical testing. Allele origin: germline.

All of Us Research Program, National Institutes of Health
Classification: Likely benign for Catecholaminergic polymorphic ventricular tachycardia. Last evaluated: 2023-12-18. Review status: criteria provided, single submitter. Criteria: ACMG Guidelines, 2015. Collection method: clinical testing. Allele origin: germline. Inheritance: Autosomal dominant inheritance. Observed: 5 variant alleles, 5 heterozygotes.
Comment: This study involves interpretation of variants in research participants for the purpose of population health screening. Participant phenotype was not available at the time of variant classification. Additional details can be found in publication PMID: 35346344, PMCID: PMC8962531

Color Diagnostics, LLC DBA Color Health
Classification: Likely benign for Cardiomyopathy. Last evaluated: 2019-05-20. Review status: criteria provided, single submitter. Criteria: ACMG Guidelines, 2015. Collection method: clinical testing. Allele origin: germline.

Ambry Genetics
Classification: Likely benign for Cardiovascular phenotype. Last evaluated: 2018-09-05. Review status: criteria provided, single submitter. Criteria: Ambry Variant Classification Scheme 2023. Collection method: clinical testing. Allele origin: germline.